The following is an entry in ClinVar:

NM_000660.7(TGFB1):c.713-1G>A

Gene: TGFB1 (transforming growth factor beta 1; minus strand). Cytogenetic location: 19q13.2.
Variant type: single nucleotide variant.
Coding change: c.713-1G>A on transcript NM_000660.7 (MANE Select); the canonical splice acceptor site of the intron before coding-DNA position 713, G replaced by A.
Molecular consequence: splice acceptor variant.
Genome position (GRCh38, 1-based): chr19:41,342,031, C>T on the plus strand (G>A on the coding strand, the complement: TGFB1 is on the minus strand). VCF-style: chr19-41342031-C-T. GRCh37 (hg19) VCF-style: chr19-41847936-C-T.
Other names: c.713-1G>A (NM_000660.6).
Identifiers: ClinVar variation 3723545 (VCV003723545.3).

ClinVar aggregate classification (germline): Uncertain significance. Review status: criteria provided, multiple submitters, no conflicts (2 of 4 stars). 2 submissions from 2 submitters: Uncertain significance (2). Last evaluated 2025-09-16.

Conditions:
TGFB1-related disorder. Also called: TGFB1-related condition.

Submissions (2):

PreventionGenetics, part of Exact Sciences
Classification: Uncertain significance for TGFB1-related condition. Last evaluated: 2025-09-16. Review status: criteria provided, single submitter. Criteria: ACMG Guidelines, 2015. Collection method: clinical testing. Allele origin: germline.
Comment: The TGFB1 c.713-1G>A variant is predicted to disrupt the AG splice acceptor site and interfere with normal splicing. To our knowledge, this variant has not been reported in the literature or in a large population database (gnomAD), indicating this variant is rare. Loss-of-function is not an established mechanism of TGFB1-related disease. At this time, the clinical significance of this variant is uncertain due to the absence of conclusive functional and genetic evidence.

Labcorp Genetics (formerly Invitae), Labcorp
Classification: Uncertain significance. Last evaluated: 2025-02-23. Review status: criteria provided, single submitter. Criteria: Invitae Variant Classification Sherloc (09022015). Collection method: clinical testing. Allele origin: germline.
Comment: This sequence change affects an acceptor splice site in intron 4 of the TGFB1 gene. It is expected to disrupt RNA splicing. Variants that disrupt the donor or acceptor splice site typically lead to a loss of protein function (PMID: 16199547), however the current clinical and genetic evidence is not sufficient to establish whether loss-of-function variants in TGFB1 cause disease. This variant is not present in population databases (gnomAD no frequency). This variant has not been reported in the literature in individuals affected with TGFB1-related conditions. Algorithms developed to predict the effect of sequence changes on RNA splicing suggest that this variant may disrupt the consensus splice site. In summary, the available evidence is currently insufficient to determine the role of this variant in disease. Therefore, it has been classified as a Variant of Uncertain Significance.

Literature cited by the submitters: PubMed 16199547 (cited by Labcorp Genetics (formerly Invitae), Labcorp).